The following is an entry in ClinVar:

ClinVar aggregate classification (germline): Uncertain significance (1 of 4 stars; one submission).

Conditions:
Inborn genetic diseases. Identifiers: MedGen C0950123, MeSH D030342.

Submission:

Ambry Genetics
Classification: Uncertain significance for Inborn genetic diseases. Last evaluated: 2020-07-02. Review status: criteria provided, single submitter. Criteria: Ambry Variant Classification Scheme 2023. Collection method: clinical testing. Allele origin: germline.
Comment: The alteration results in an intronic change: _x000D_ _x000D_ The c.1242-13T>G intronic alteration results from a T to G substitution 13 nucleotides before coding exon 12 in the PPP3CA gene. The alteration is not observed in population databases: _x000D_ _x000D_ Based on data from the Genome Aggregation Database (gnomAD), the PPP3CA c.1242-13T>G alteration was not observed, with coverage at this position. The altered nucleotide is not conserved throughout evolution:_x000D_ _x000D_ The c.1242-13T nucleotide is not conserved in available vertebrate species. The alteration is predicted to affect splicing by in silico models:_x000D_ _x000D_ Based on BDGP and ESEfinder splice site in silico tools, this alteration is predicted to create a cryptic acceptor site and weaken the native splice site; however, direct evidence is unavailable. Based on insufficient or conflicting evidence, the clinical significance of this alteration remains unclear.

NM_000944.5(PPP3CA):c.1242-13T>G

Gene: PPP3CA (protein phosphatase 3 catalytic subunit alpha; minus strand). Cytogenetic location: 4q24.
Variant type: single nucleotide variant.
Coding change: c.1242-13T>G on transcript NM_000944.5 (MANE Select); 13 bases into the intron before coding-DNA position 1242, T replaced by G.
Molecular consequence: intron variant.
Genome position (GRCh38, 1-based): chr4:101,032,377, A>C on the plus strand (T>G on the coding strand, the complement: PPP3CA is on the minus strand). VCF-style: chr4-101032377-A-C. GRCh37 (hg19) VCF-style: chr4-101953534-A-C.
Other names: c.1116-13T>G (NM_001130692.2); c.1242-13T>G (NM_001130691.2).
Identifiers: ClinVar variation 2225657 (VCV002225657.2), dbSNP rs2476210227, ClinGen allele CA2580071253.
Genomic context (GRCh38, chr4:101,032,377, plus strand): 5'-CCAGTTGGGGTCAAGCCTTTCAGCGTCAGCACACTCTCACTCTCTTCTCTGGAAGGCACA[A>C]TGAGGGGCGACATTAACTTTTAATTTCTTTTGTGAAAAAGAAAGAAATGACTGAAAGGAA-3'